The following is an entry in ClinVar:

ClinVar aggregate classification (germline): Uncertain significance (1 of 4 stars; one submission).

Conditions:
Autosomal dominant limb-girdle muscular dystrophy type 1D (DNAJB6) (LGMDD1). Also called: MUSCULAR DYSTROPHY, LIMB-GIRDLE, TYPE 1D; Autosomal dominant limb-girdle muscular dystrophy type 1D; Muscular dystrophy, limb-girdle, autosomal dominant 1; MUSCULAR DYSTROPHY, AUTOSOMAL DOMINANT, WITH RIMMED VACUOLES. Identifiers: Orphanet 34516, MedGen C4721885, MONDO:0021018, OMIM 603511.

Allele frequency attached by ClinVar (database versions not stated): gnomAD exomes below 0.00001; gnomAD 0.00001; TOPMed 0.00002.
gnomAD v4.1: 5 of 1,534,436 alleles (0.00033%); highest among the groups gnomAD compares: Non-Finnish European, 0.00035%; no homozygotes.

Submission:

Labcorp Genetics (formerly Invitae), Labcorp
Classification: Uncertain significance for Autosomal dominant limb-girdle muscular dystrophy type 1D (DNAJB6). Last evaluated: 2022-07-06. Review status: criteria provided, single submitter. Criteria: Invitae Variant Classification Sherloc (09022015). Collection method: clinical testing. Allele origin: germline.
Comment: ClinVar contains an entry for this variant (Variation ID: 538665). This variant has not been reported in the literature in individuals affected with DNAJB6-related conditions. This variant is not present in population databases (gnomAD no frequency). This sequence change replaces serine, which is neutral and polar, with proline, which is neutral and non-polar, at codon 267 of the DNAJB6 protein (p.Ser267Pro). Algorithms developed to predict the effect of missense changes on protein structure and function are either unavailable or do not agree on the potential impact of this missense change (SIFT: "Tolerated"; PolyPhen-2: "Not Available"; Align-GVGD: "Class C0"). In summary, the available evidence is currently insufficient to determine the role of this variant in disease. Therefore, it has been classified as a Variant of Uncertain Significance.

NM_058246.4(DNAJB6):c.799T>C (p.Ser267Pro)

Gene: DNAJB6 (DnaJ heat shock protein family (Hsp40) member B6; plus strand). Cytogenetic location: 7q36.3.
Variant type: single nucleotide variant.
Coding change: c.799T>C on transcript NM_058246.4 (MANE Select); coding-DNA position 799, T replaced by C.
Protein change: p.Ser267Pro; replaces serine 267 with proline.
Molecular consequence: missense variant.
Genome position (GRCh38, 1-based): chr7:157,409,902, T>C. VCF-style: chr7-157409902-T-C. GRCh37 (hg19) VCF-style: chr7-157202596-T-C.
Other names: c.454T>C, p.Ser152Pro (NM_001363676.1); short protein forms S267P, S152P.
Identifiers: ClinVar variation 538665 (VCV000538665.9), dbSNP rs971868513, ClinGen allele CA169899184.
Genomic context (GRCh38, chr7:157,409,902, plus strand): 5'-CAGAACGCCCTGCCAGCCCAGCCTGCCGGCCTCCGCCCGCCGAAGCCGCCCCGGCCTGCC[T>C]CGCTGCTGAGACACGCGCCTCACTGTCTCTCTGAGGAGGAGGGCGAGCAGGACCGACCTC-3'
Protein context (NP_490647.1, residues 257-277): LRPPKPPRPA[Ser267Pro]LLRHAPHCLS